The following is an entry in ClinVar:

NM_000414.4(HSD17B4):c.793A>G (p.Thr265Ala)

Gene: HSD17B4 (hydroxysteroid 17-beta dehydrogenase 4; plus strand). Cytogenetic location: 5q23.1.
Variant type: single nucleotide variant.
Coding change: c.793A>G on transcript NM_000414.4 (MANE Select); coding-DNA position 793, A replaced by G.
Protein change: p.Thr265Ala; replaces threonine 265 with alanine.
Molecular consequence: missense variant. On other transcripts: non-coding transcript variant (2).
Genome position (GRCh38, 1-based): chr5:119,493,871, A>G. VCF-style: chr5-119493871-A-G. GRCh37 (hg19) VCF-style: chr5-118829566-A-G.
Other names: c.868A>G, p.Thr290Ala (NM_001199291.3); c.739A>G, p.Thr247Ala (NM_001199292.2); c.721A>G, p.Thr241Ala (NM_001292027.2); c.373A>G, p.Thr125Ala (NM_001292028.2); c.784A>G, p.Thr262Ala (NM_001374497.1); c.793A>G, p.Thr265Ala (NM_001374498.1); c.466A>G, p.Thr156Ala (NM_001374499.1); c.352A>G, p.Thr118Ala (NM_001374500.1); and 1 more; short protein forms T128A, T241A, T265A, T125A, T247A, T262A, T118A, T156A.
Identifiers: ClinVar variation 2182428 (VCV002182428.1), dbSNP rs1434797374, ClinGen allele CA360867258.

ClinVar aggregate classification (germline): Uncertain significance (1 of 4 stars; one submission).

Conditions:
Perrault syndrome. Also called: Gonadal dysgenesis with auditory dysfunction, autosomal recessive inheritance. Identifiers: Orphanet 2855, MedGen C0685838, MONDO:0017312.
Bifunctional peroxisomal enzyme deficiency (DBIF). Also called: D-bifunctional protein deficiency; PBFE DEFICIENCY; DBP DEFICIENCY. Identifiers: Orphanet 300, MedGen C0342870, MONDO:0009855, OMIM 261515. Disease mechanism: loss of function.

Allele frequency attached by ClinVar (database versions not stated): gnomAD exomes below 0.00001; gnomAD 0.00001; TOPMed 0.00001.
gnomAD v4.1: 2 of 1,612,780 alleles (0.00012%); highest among the groups gnomAD compares: African/African-American, 0.0027%; no homozygotes.

Submission:

Labcorp Genetics (formerly Invitae), Labcorp
Classification: Uncertain significance for Perrault syndrome; Bifunctional peroxisomal enzyme deficiency. Last evaluated: 2022-10-05. Review status: criteria provided, single submitter. Criteria: Invitae Variant Classification Sherloc (09022015). Collection method: clinical testing. Allele origin: germline.
Comment: This sequence change replaces threonine, which is neutral and polar, with alanine, which is neutral and non-polar, at codon 265 of the HSD17B4 protein (p.Thr265Ala). This variant is not present in population databases (gnomAD no frequency). This variant has not been reported in the literature in individuals affected with HSD17B4-related conditions. Advanced modeling of protein sequence and biophysical properties (such as structural, functional, and spatial information, amino acid conservation, physicochemical variation, residue mobility, and thermodynamic stability) has been performed at Invitae for this missense variant, however the output from this modeling did not meet the statistical confidence thresholds required to predict the impact of this variant on HSD17B4 protein function. In summary, the available evidence is currently insufficient to determine the role of this variant in disease. Therefore, it has been classified as a Variant of Uncertain Significance.